The following is an entry in ClinVar:

ClinVar aggregate classification (germline): Uncertain significance (1 of 4 stars; one submission).

Submission:

GeneDx
Classification: Uncertain significance. Last evaluated: 2026-01-22. Review status: criteria provided, single submitter. Criteria: GeneDx Variant Classification Process June 2021. Collection method: clinical testing. Allele origin: germline.
Comment: Not observed at significant frequency in large population cohorts (gnomAD); In silico analysis supports that this missense variant has a deleterious effect on protein structure/function; Has not been previously published as pathogenic or benign to our knowledge

NM_001321075.3(DLG4):c.1889T>C (p.Val630Ala)

Gene: DLG4 (discs large MAGUK scaffold protein 4; minus strand). Cytogenetic location: 17p13.1.
Variant type: single nucleotide variant.
Coding change: c.1889T>C on transcript NM_001321075.3 (MANE Select); coding-DNA position 1889, T replaced by C.
Protein change: p.Val630Ala; replaces valine 630 with alanine.
Molecular consequence: missense variant.
Genome position (GRCh38, 1-based): chr17:7,191,980, A>G on the plus strand (T>C on the coding strand, the complement: DLG4 is on the minus strand). VCF-style: chr17-7191980-A-G. GRCh37 (hg19) VCF-style: chr17-7095299-A-G.
Other names: c.1880T>C, p.Val627Ala (NM_001128827.4); c.2009T>C, p.Val670Ala (NM_001321074.1); c.1709T>C, p.Val570Ala (NM_001321076.3, NM_001321077.3); c.2018T>C, p.Val673Ala (NM_001365.5); c.1808T>C, p.Val603Ala (NM_001369566.3); short protein forms V570A, V603A, V627A, V630A, V670A, V673A.
Identifiers: ClinVar variation 4891483 (VCV004891483.1).
Genomic context (GRCh38, chr17:7,191,980, plus strand): 5'-ATGAAGATGGCGATGGGGTGCAGGTGGGCCGCCTGCAGCCGCCGCACGGCATTGGCCGAG[A>G]CATCGAGGATGCAGTGCTTCCCCTGGGGGCAGGCAGGGTGGGCGGAGGGGGGCCAGCGGG-3'
Protein context (NP_001308004.1, residues 620-640): AEQGKHCILD[Val630Ala]SANAVRRLQA